The following is an entry in ClinVar:

NM_000256.3(MYBPC3):c.3623C>G (p.Pro1208Arg)

Gene: MYBPC3 (myosin binding protein C3; minus strand). Cytogenetic location: 11p11.2.
Variant type: single nucleotide variant.
Coding change: c.3623C>G on transcript NM_000256.3 (MANE Select); coding-DNA position 3623, C replaced by G.
Protein change: p.Pro1208Arg; replaces proline 1208 with arginine.
Molecular consequence: missense variant.
Genome position (GRCh38, 1-based): chr11:47,332,570, G>C on the plus strand (C>G on the coding strand, the complement: MYBPC3 is on the minus strand). VCF-style: chr11-47332570-G-C. GRCh37 (hg19) VCF-style: chr11-47354121-G-C.
Other names: short protein forms P1208R.
Identifiers: ClinVar variation 2083039 (VCV002083039.5), dbSNP rs2495737757, ClinGen allele CA380312180.

ClinVar aggregate classification (germline): Uncertain significance. Review status: criteria provided, multiple submitters, no conflicts (2 of 4 stars). 2 submissions from 2 submitters: Uncertain significance (2). Last evaluated 2022-05-31.

Conditions:
Hypertrophic cardiomyopathy. Also called: HYPERTROPHIC MYOCARDIOPATHY. Identifiers: Orphanet 217569, MedGen C0007194, MeSH D002312, MONDO:0005045, HP:0001639.

Submissions (2):

Blueprint Genetics
Classification: Uncertain significance. Last evaluated: 2022-05-31. Review status: criteria provided, single submitter. Criteria: ACMG Guidelines, 2015. Collection method: clinical testing. Allele origin: germline.

Labcorp Genetics (formerly Invitae), Labcorp
Classification: Uncertain significance for Hypertrophic cardiomyopathy. Last evaluated: 2022-01-15. Review status: criteria provided, single submitter. Criteria: Invitae Variant Classification Sherloc (09022015). Collection method: clinical testing. Allele origin: germline.
Comment: This sequence change replaces proline, which is neutral and non-polar, with arginine, which is basic and polar, at codon 1208 of the MYBPC3 protein (p.Pro1208Arg). This variant is not present in population databases (gnomAD no frequency). This variant has not been reported in the literature in individuals affected with MYBPC3-related conditions. Algorithms developed to predict the effect of missense changes on protein structure and function (SIFT, PolyPhen-2, Align-GVGD) all suggest that this variant is likely to be disruptive. In summary, the available evidence is currently insufficient to determine the role of this variant in disease. Therefore, it has been classified as a Variant of Uncertain Significance.